The following is an entry in ClinVar:

ClinVar aggregate classification (germline): Uncertain significance (0 of 4 stars; one submission).

Conditions:
ALMS1-related disorder. Also called: ALMS1-related condition.

Submission:

PreventionGenetics, part of Exact Sciences
Classification: Uncertain significance for ALMS1-related condition. Last evaluated: 2024-08-19. Review status: no assertion criteria provided. Collection method: clinical testing. Allele origin: germline.
Comment: The ALMS1 c.5371_5372delinsAT variant is predicted to result in an in-frame deletion and insertion. To our knowledge, this variant has not been reported in the literature or in a large population database, indicating this variant is rare. At this time, the clinical significance of this variant is uncertain due to the absence of conclusive functional and genetic evidence.

NM_001378454.1(ALMS1):c.5368_5369delinsAT (p.Gly1790Ile)

Gene: ALMS1 (ALMS1 centrosome and basal body associated protein; plus strand). Cytogenetic location: 2p13.1.
Variant type: Indel.
Coding change: c.5368_5369delinsAT on transcript NM_001378454.1 (MANE Select); coding-DNA positions 5368 to 5369, GG replaced by AT.
Protein change: p.Gly1790Ile; replaces glycine 1790 with isoleucine.
Molecular consequence: missense variant.
Genome position (GRCh38, 1-based): chr2:73,451,895-73,451,896, GG replaced by AT. VCF-style: chr2-73451895-GG-AT. GRCh37 (hg19) VCF-style: chr2-73679022-GG-AT.
Other names: c.5371_5372delinsAT, p.Gly1791Ile (NM_015120.4); short protein forms G1790I, G1791I.
Identifiers: ClinVar variation 3358666 (VCV003358666.1).
Genomic context (GRCh38, chr2:73,451,895, plus strand): 5'-CAGCAAGAGTTGCCAGATAGTCATCTAACTGAAGAGGCTCTGAAAGTTTCAAATGTTCCT[GG>AT]ACCAGCTGACCAGAAGACTGGGGTATCAACAGTAACCTCTACTTCCTACTCACACAGAGA-3'
Protein context (NP_001365383.1, residues 1780-1800): EEALKVSNVP[Gly1790Ile]PADQKTGVST